The following is an entry in ClinVar:

NM_012330.4(KAT6B):c.4569C>A (p.Val1523=)

Gene: KAT6B (lysine acetyltransferase 6B; plus strand). Cytogenetic location: 10q22.2.
Variant type: single nucleotide variant.
Coding change: c.4569C>A on transcript NM_012330.4 (MANE Select); coding-DNA position 4569, C replaced by A.
Protein change: p.Val1523=; no amino-acid change (valine 1523 retained).
Molecular consequence: synonymous variant.
Genome position (GRCh38, 1-based): chr10:75,029,393, C>A. VCF-style: chr10-75029393-C-A. GRCh37 (hg19) VCF-style: chr10-76789151-C-A.
Other names: c.4020C>A, p.Val1340= (NM_001256468.2, NM_001370138.1); c.3693C>A, p.Val1231= (NM_001256469.2, NM_001370139.1, NM_001370140.1 and 2 more transcripts); c.3531C>A, p.Val1177= (NM_001370132.1); c.2880C>A, p.Val960= (NM_001370133.1); c.2484C>A, p.Val828= (NM_001370134.1); c.2226C>A, p.Val742= (NM_001370135.1); c.4569C>A, p.Val1523= (NM_001370136.1, NM_001370137.1); c.3504C>A, p.Val1168= (NM_001370143.1, NM_001370144.1).
Identifiers: ClinVar variation 3778347 (VCV003778347.8).

ClinVar aggregate classification (germline): Likely benign. Review status: criteria provided, multiple submitters, no conflicts (2 of 4 stars). 2 submissions from 2 submitters: Likely benign (2). Last evaluated 2025-12-08.

Conditions:
Genitopatellar syndrome (GTPTS). Also called: Genitopatellar syndrome (GPS); ABSENT PATELLAE, SCROTAL HYPOPLASIA, RENAL ANOMALIES, FACIAL DYSMORPHISM, AND MENTAL RETARDATION. Identifiers: Orphanet 85201, MedGen C1853566, MONDO:0011640, OMIM 606170.

gnomAD v4.1: 2 of 1,613,904 alleles (0.00012%); highest among the groups gnomAD compares: African/African-American, 0.0027%; no homozygotes.

Submissions (2):

Labcorp Genetics (formerly Invitae), Labcorp
Classification: Likely benign for Genitopatellar syndrome. Last evaluated: 2025-12-08. Review status: criteria provided, single submitter. Criteria: Invitae Variant Classification Sherloc (09022015). Collection method: clinical testing. Allele origin: germline.

CeGaT Center for Human Genetics Tuebingen
Classification: Likely benign. Last evaluated: 2025-03-01. Review status: criteria provided, single submitter. Criteria: CeGaT Center For Human Genetics Tuebingen Variant Classification Criteria Version 2. Collection method: clinical testing. Allele origin: germline. Affected: yes. Observed: 1 variant allele.
Comment: KAT6B: BP4, BP7